The following is an entry in ClinVar:

NM_182914.3(SYNE2):c.13709C>T (p.Thr4570Met)

Gene: SYNE2 (spectrin repeat containing nuclear envelope protein 2; plus strand). Cytogenetic location: 14q23.2.
Variant type: single nucleotide variant.
Coding change: c.13709C>T on transcript NM_182914.3 (MANE Select); coding-DNA position 13709, C replaced by T.
Protein change: p.Thr4570Met; replaces threonine 4570 with methionine.
Molecular consequence: missense variant.
Genome position (GRCh38, 1-based): chr14:64,126,599, C>T. VCF-style: chr14-64126599-C-T. GRCh37 (hg19) VCF-style: chr14-64593317-C-T.
Other names: c.13709C>T, p.Thr4570Met (NM_015180.6); short protein forms T4570M.
Identifiers: ClinVar variation 1040147 (VCV001040147.7), dbSNP rs199750072, ClinGen allele CA7222562.
Genomic context (GRCh38, chr14:64,126,599, plus strand): 5'-CACGTGGAAGCCTCTTGAGGTCAGAGCTCATTCATTGTCTTCCTTCCTCTCCACTCCAGA[C>T]GCTGGCTCTTGAGTTGAAGAAACTTTATTTAGCGCTAAGTGACAAGAAGGGTGATCTTTT-3'
Protein context (NP_878918.2, residues 4560-4580): DGSGQQVHYE[Thr4570Met]LALELKKLYL

ClinVar aggregate classification (germline): Uncertain significance (1 of 4 stars; one submission).

Conditions:
Emery-Dreifuss muscular dystrophy 5, autosomal dominant (EDMD5). Also called: EMERY-DREIFUSS MUSCULAR DYSTROPHY 5. Identifiers: Orphanet 261, MedGen C2751805, MONDO:0013072, OMIM 612999.

Allele frequency attached by ClinVar (database versions not stated): ExAC 0.00002; gnomAD exomes 0.00002; gnomAD 0.00003; TOPMed 0.00003; ESP Exome Variant Server 0.00008.
gnomAD v4.1: 33 of 1,614,088 alleles (0.002%); highest among the groups gnomAD compares: African/African-American, 0.008%; no homozygotes.

Submission:

Labcorp Genetics (formerly Invitae), Labcorp
Classification: Uncertain significance for Emery-Dreifuss muscular dystrophy 5, autosomal dominant. Last evaluated: 2025-01-11. Review status: criteria provided, single submitter. Criteria: Invitae Variant Classification Sherloc (09022015). Collection method: clinical testing. Allele origin: germline.
Comment: This sequence change replaces threonine, which is neutral and polar, with methionine, which is neutral and non-polar, at codon 4570 of the SYNE2 protein (p.Thr4570Met). This variant is present in population databases (rs199750072, gnomAD 0.004%). This variant has not been reported in the literature in individuals affected with SYNE2-related conditions. ClinVar contains an entry for this variant (Variation ID: 1040147). An algorithm developed to predict the effect of missense changes on protein structure and function outputs the following: PolyPhen-2: "Benign". The methionine amino acid residue is found in multiple mammalian species, which suggests that this missense change does not adversely affect protein function. In summary, the available evidence is currently insufficient to determine the role of this variant in disease. Therefore, it has been classified as a Variant of Uncertain Significance.